The following is an entry in ClinVar:

NM_198253.3(TERT):c.3349G>C (p.Ala1117Pro)

Gene: TERT (telomerase reverse transcriptase; minus strand). Cytogenetic location: 5p15.33.
Variant type: single nucleotide variant.
Coding change: c.3349G>C on transcript NM_198253.3 (MANE Select); coding-DNA position 3349, G replaced by C.
Protein change: p.Ala1117Pro; replaces alanine 1117 with proline.
Molecular consequence: missense variant. On other transcripts: non-coding transcript variant (2).
Genome position (GRCh38, 1-based): chr5:1,253,778, C>G on the plus strand (G>C on the coding strand, the complement: TERT is on the minus strand). VCF-style: chr5-1253778-C-G. GRCh37 (hg19) VCF-style: chr5-1253893-C-G.
Other names: c.3160G>C, p.Ala1054Pro (NM_001193376.3); short protein forms A1054P, A1117P.
Identifiers: ClinVar variation 4865492 (VCV004865492.1).

ClinVar aggregate classification (germline): Uncertain significance (1 of 4 stars; one submission).

Conditions:
Dyskeratosis congenita. Identifiers: Orphanet 1775, MedGen C0265965, MONDO:0015780.

Submission:

Ambry Genetics
Classification: Uncertain significance for Dyskeratosis congenita. Last evaluated: 2026-06-01. Review status: criteria provided, single submitter. Criteria: Ambry Variant Classification Scheme 2023. Collection method: clinical testing. Allele origin: germline.
Comment: The p.A1117P variant (also known as c.3349G>C), located in coding exon 16 of the TERT gene, results from a G to C substitution at nucleotide position 3349. The alanine at codon 1117 is replaced by proline, an amino acid with highly similar properties. This amino acid position is conserved. In addition, the in silico prediction for this alteration is inconclusive. Based on the available evidence, the clinical significance of this variant remains unclear.